The following is an entry in ClinVar:

ClinVar aggregate classification (germline): Uncertain significance (1 of 4 stars; one submission).

Conditions:
Cardiovascular phenotype. Identifiers: MedGen CN230736.

gnomAD v4.1: 2 of 1,613,870 alleles (0.00012%); highest among the groups gnomAD compares: Admixed American, 0.0017%; no homozygotes.

Submission:

Ambry Genetics
Classification: Uncertain significance for Cardiovascular phenotype. Last evaluated: 2025-06-28. Review status: criteria provided, single submitter. Criteria: Ambry Variant Classification Scheme 2023. Collection method: clinical testing. Allele origin: germline.
Comment: The p.A455T variant (also known as c.1363G>A), located in coding exon 7 of the EPHB4 gene, results from a G to A substitution at nucleotide position 1363. The alanine at codon 455 is replaced by threonine, an amino acid with similar properties. This amino acid position is conserved. In addition, this alteration is predicted to be tolerated by in silico analysis. Based on the available evidence, the clinical significance of this variant remains unclear.

NM_004444.5(EPHB4):c.1363G>A (p.Ala455Thr)

Gene: EPHB4 (EPH receptor B4; minus strand). Cytogenetic location: 7q22.1.
Variant type: single nucleotide variant.
Coding change: c.1363G>A on transcript NM_004444.5 (MANE Select); coding-DNA position 1363, G replaced by A.
Protein change: p.Ala455Thr; replaces alanine 455 with threonine.
Molecular consequence: missense variant.
Genome position (GRCh38, 1-based): chr7:100,818,579, C>T on the plus strand (G>A on the coding strand, the complement: EPHB4 is on the minus strand). VCF-style: chr7-100818579-C-T. GRCh37 (hg19) VCF-style: chr7-100416201-C-T.
Other names: short protein forms A455T.
Identifiers: ClinVar variation 4249953 (VCV004249953.1).
Genomic context (GRCh38, chr7:100,818,579, plus strand): 5'-CCTTCTCATGGTATTTGACCTCGTAGTCCAGCACAGCCCCACTGGGTGCCCGGGGAACAG[C>T]CCAGGCCAGGCTCAAGCTGCTGGGTGAGGACCGCGTCACCCGGATGTCAGACACTGCAGG-3'
Protein context (NP_004435.3, residues 445-465): SSPSSLSLAW[Ala455Thr]VPRAPSGAVL